The following is an entry in ClinVar:

ClinVar aggregate classification (germline): Uncertain significance (1 of 4 stars; one submission).

Conditions:
Cardiovascular phenotype. Identifiers: MedGen CN230736.

gnomAD v4.1: 6 of 1,614,158 alleles (0.00037%); highest among the groups gnomAD compares: East Asian, 0.0022%; no homozygotes.

Submission:

Ambry Genetics
Classification: Uncertain significance for Cardiovascular phenotype. Last evaluated: 2020-05-21. Review status: criteria provided, single submitter. Criteria: Ambry Variant Classification Scheme 2023. Collection method: clinical testing. Allele origin: germline.
Comment: The p.H2754Y variant (also known as c.8260C>T), located in coding exon 10 of the ALMS1 gene, results from a C to T substitution at nucleotide position 8260. The histidine at codon 2754 is replaced by tyrosine, an amino acid with similar properties. This amino acid position is well conserved in available vertebrate species. In addition, this alteration is predicted to be tolerated by in silico analysis. Since supporting evidence is limited at this time, the clinical significance of this alteration remains unclear.

NM_001378454.1(ALMS1):c.8257C>T (p.His2753Tyr)

Gene: ALMS1 (ALMS1 centrosome and basal body associated protein; plus strand). Cytogenetic location: 2p13.1.
Variant type: single nucleotide variant.
Coding change: c.8257C>T on transcript NM_001378454.1 (MANE Select); coding-DNA position 8257, C replaced by T.
Protein change: p.His2753Tyr; replaces histidine 2753 with tyrosine.
Molecular consequence: missense variant.
Genome position (GRCh38, 1-based): chr2:73,490,216, C>T. VCF-style: chr2-73490216-C-T. GRCh37 (hg19) VCF-style: chr2-73717343-C-T.
Other names: c.8260C>T, p.His2754Tyr (NM_015120.4); short protein forms H2754Y, H2753Y.
Identifiers: ClinVar variation 1762671 (VCV001762671.2), dbSNP rs200718841, ClinGen allele CA1714433.
Genomic context (GRCh38, chr2:73,490,216, plus strand): 5'-AAGGTTGGTGTTACTGAAGGTAGCCAGTGTACTGGAGCATCTGTGGGGGTATTTAATTCT[C>T]ATTTCACTGAAGAACAAAATCCTCCCAGAGATCTTAAACAGAAAACCTCTTCCCCTTCAT-3'
Protein context (NP_001365383.1, residues 2743-2763): TGASVGVFNS[His2753Tyr]FTEEQNPPRD